The following is an entry in ClinVar:

NM_000127.3(EXT1):c.1400dup (p.Tyr467Ter)

Gene: EXT1 (exostosin glycosyltransferase 1; minus strand). Cytogenetic location: 8q24.11.
Variant type: Duplication.
Coding change: c.1400dup on transcript NM_000127.3 (MANE Select); coding-DNA position 1400, one base duplicated (A; older notation c.1400dupA).
Protein change: p.Tyr467Ter; replaces tyrosine 467 with a stop codon.
Molecular consequence: nonsense.
Genome position (GRCh38, 1-based): chr8:117,822,482, T duplicated on the plus strand (A on the coding strand, the reverse complement: EXT1 is on the minus strand). VCF-style (leftmost placement, unchanged base first): chr8-117822481-G-GT. GRCh37 (hg19) VCF-style: chr8-118834720-G-GT.
Other names: short protein forms Y467*.
Identifiers: ClinVar variation 938568 (VCV000938568.8), dbSNP rs1811941012, ClinGen allele CA1139660727.
Genomic context (GRCh38, chr8:117,822,481, plus strand): 5'-CTTCAGGGTAAACAAGGGCAACTCCCTGGAGGAAATTCACTTACCTAAATTAGCATAGTA[G>GT]TAAGGAAAATCTCCCAGATAAGATGAATACTGTGGTAGTACGAACAATCCTCCAGGATGT-3'

ClinVar aggregate classification (germline): Pathogenic (1 of 4 stars; one submission).

Conditions:
Multiple congenital exostosis (EXT). Also called: Multiple exostoses; Hereditary multiple exostoses; Hereditary multiple exostosis; Hereditary multiple osteochondromas; MULTIPLE CARTILAGINOUS EXOSTOSES; Multiple osteochondromas. Identifiers: Orphanet 321, MedGen C0015306, MONDO:0005508, HP:0002762.

Submission:

Labcorp Genetics (formerly Invitae), Labcorp
Classification: Pathogenic for Multiple congenital exostosis. Last evaluated: 2019-06-09. Review status: criteria provided, single submitter. Criteria: Invitae Variant Classification Sherloc (09022015). Collection method: clinical testing. Allele origin: germline.
Comment: For these reasons, this variant has been classified as Pathogenic. Loss-of-function variants in EXT1 are known to be pathogenic (PMID: 10679937, 11391482, 19810120). This variant has not been reported in the literature in individuals with EXT1-related conditions. This variant is not present in population databases (ExAC no frequency). This sequence change creates a premature translational stop signal (p.Tyr467*) in the EXT1 gene. It is expected to result in an absent or disrupted protein product.

Literature cited by the submitters: PubMed 10679937; PubMed 11391482; PubMed 19810120.